The following is an entry in ClinVar:

NM_001159773.2(CANT1):c.734C>T (p.Pro245Leu)

Gene: CANT1 (calcium activated nucleotidase 1; minus strand). Cytogenetic location: 17q25.3.
Variant type: single nucleotide variant.
Coding change: c.734C>T on transcript NM_001159773.2 (MANE Select); coding-DNA position 734, C replaced by T.
Protein change: p.Pro245Leu; replaces proline 245 with leucine.
Molecular consequence: missense variant.
Genome position (GRCh38, 1-based): chr17:78,995,119, G>A on the plus strand (C>T on the coding strand, the complement: CANT1 is on the minus strand). VCF-style: chr17-78995119-G-A. GRCh37 (hg19) VCF-style: chr17-76991201-G-A.
Other names: c.734C>T, p.Pro245Leu (NM_001159772.2, NM_138793.4); short protein forms P245L.
Identifiers: ClinVar variation 452497 (VCV000452497.10), dbSNP rs761853610, ClinGen allele CA8808625.

ClinVar aggregate classification (germline): Pathogenic/Likely pathogenic. Review status: criteria provided, multiple submitters, no conflicts (2 of 4 stars). 5 submissions from 5 submitters: Pathogenic (1); Likely pathogenic (4). Last evaluated 2025-11-06.

Conditions:
Epiphyseal dysplasia, multiple, 7. Identifiers: Orphanet 647676, MedGen C4540251, MONDO:0054680, OMIM 617719.
Desbuquois dysplasia 1 (DBQD1). Also called: MICROMELIC DWARFISM WITH VERTEBRAL AND METAPHYSEAL ABNORMALITIES AND ADVANCED CARPOTARSAL OSSIFICATION; DESBUQUOIS DYSPLASIA 1, KIM VARIANT. Identifiers: Orphanet 1425, MedGen C4012146, MONDO:0009629, OMIM 251450.
CANT1-related disorder. Also called: CANT1-related condition.

Allele frequency attached by ClinVar (database versions not stated): ExAC 0.00001; gnomAD 0.00001; TOPMed 0.00001; gnomAD exomes 0.00002.
gnomAD v4.1: 25 of 1,613,554 alleles (0.0015%); highest among the groups gnomAD compares: Middle Eastern, 0.016%; no homozygotes.

Submissions (5):

PreventionGenetics, part of Exact Sciences
Classification: Likely pathogenic for CANT1-related condition. Last evaluated: 2025-11-06. Review status: criteria provided, single submitter. Criteria: ACMG Guidelines, 2015. Collection method: clinical testing. Allele origin: germline.
Comment: The CANT1 c.734C>T variant is predicted to result in the amino acid substitution p.Pro245Leu. This variant has been reported, in the compound heterozygous state with a loss of function variant in the gene, in three siblings in a family with Desbuquois dysplasia (DBQD, Wang et al. 2020. PubMed ID: 32907608). Of note, one of the siblings did not meet diagnostic criteria for DBQB. This variant has been shown to impact protein function (Wang et al. 2020. PubMed ID: 32907608). This variant is reported in 0.0039% of alleles in individuals of European (Non-Finnish) descent in gnomAD. This variant is interpreted as likely pathogenic.

GeneDx
Classification: Likely pathogenic. Last evaluated: 2024-11-07. Review status: criteria provided, single submitter. Criteria: GeneDx Variant Classification Process June 2021. Collection method: clinical testing. Allele origin: germline. Affected: yes.
Comment: Published functional studies demonstrate p.P245L impairs CANT1 dimerization, secretion, and enzymatic activity (PMID: 32907608); In silico analysis supports that this missense variant has a deleterious effect on protein structure/function; This variant is associated with the following publications: (PMID: 39273648, 32907608)

Labcorp Genetics (formerly Invitae), Labcorp
Classification: Likely pathogenic. Last evaluated: 2024-09-06. Review status: criteria provided, single submitter. Criteria: Invitae Variant Classification Sherloc (09022015). Collection method: clinical testing. Allele origin: germline.
Comment: This sequence change replaces proline, which is neutral and non-polar, with leucine, which is neutral and non-polar, at codon 245 of the CANT1 protein (p.Pro245Leu). This variant is present in population databases (rs761853610, gnomAD 0.003%). This missense change has been observed in individual(s) with desbuquois dysplasia (PMID: 32907608). In at least one individual the data is consistent with being in trans (on the opposite chromosome) from a pathogenic variant. It has also been observed to segregate with disease in related individuals. ClinVar contains an entry for this variant (Variation ID: 452497). Invitae Evidence Modeling of protein sequence and biophysical properties (such as structural, functional, and spatial information, amino acid conservation, physicochemical variation, residue mobility, and thermodynamic stability) has been performed for this missense variant. However, the output from this modeling did not meet the statistical confidence thresholds required to predict the impact of this variant on CANT1 protein function. Experimental studies have shown that this missense change affects CANT1 function (PMID: 32907608). In summary, the currently available evidence indicates that the variant is pathogenic, but additional data are needed to prove that conclusively. Therefore, this variant has been classified as Likely Pathogenic.

Fulgent Genetics
Classification: Likely pathogenic for Desbuquois dysplasia 1; Epiphyseal dysplasia, multiple, 7. Last evaluated: 2024-03-27. Review status: criteria provided, single submitter. Criteria: ACMG Guidelines, 2015. Collection method: clinical testing. Allele origin: germline.

3billion
Classification: Pathogenic for Desbuquois dysplasia 1. Last evaluated: 2022-05-22. Review status: criteria provided, single submitter. Criteria: ACMG Guidelines, 2015. Collection method: clinical testing. Allele origin: germline. Affected: yes. Observed: 1 homozygote.
Comment: The variant is observed at an extremely low frequency in the gnomAD v2.1.1 dataset (total allele frequency: 0.002%). Missense changes are a common disease-causing mechanism. Functional studies provide strong evidence of the variant having a damaging effect on the gene or gene product (PMID: 32907608). In silico tool predictions suggest damaging effect of the variant on gene or gene product (REVEL: 0.73; 3Cnet: 0.17). Same nucleotide change resulting in same amino acid change has been previously reported to be associated with CANT1- related disorder (PMID: 32907608). Therefore, this variant is classified as pathogenic according to the recommendation of ACMG/AMP guideline.

Literature cited by the submitters: PubMed 32907608 (cited by Labcorp Genetics (formerly Invitae), Labcorp and 3billion).